The following is an entry in ClinVar:

ClinVar aggregate classification (germline): Pathogenic. Review status: criteria provided, single submitter (1 of 4 stars). 2 submissions from 2 submitters: Pathogenic (1). 1 of the submissions does not count toward it. Last evaluated 2026-09-08.

Conditions:
Fabry disease. Also called: Ceramide trihexosidosis; Fabry's disease; CERAMIDE TRIHEXOSIDASE DEFICIENCY; GLA DEFICIENCY; HEREDITARY DYSTOPIC LIPIDOSIS; ALPHA-GALACTOSIDASE A DEFICIENCY. Identifiers: Orphanet 324, MedGen C0002986, MONDO:0010526, OMIM 301500, HP:0001071. Disease mechanism: Fabry disease is due to inactivating mutations in the X-linked GLA gene resulting in deficiency of the enzyme Alpha Galactosidase-A., loss of function.

Submissions (2):

Genomenon, Inc
Classification: Pathogenic for Fabry disease. Last evaluated: 2026-09-08. Review status: criteria provided, single submitter. Criteria: Genomenon Sequence Variant Interpretation Standards - Updated. Collection method: curation. Allele origin: germline. Affected: yes.
Comment: GLA c.369+2T>G is a canonical splice variant affecting the donor splice site of intron 2. It is predicted to affect mRNA splicing, leading to a deleterious effect on the GLA protein. This variant has been observed in at least one proband with clinical features consistent with Fabry disease (PMID:7504405). It is absent or not present at a significant frequency in gnomAD. In conclusion, we classify GLA c.369+2T>G as a pathogenic variant.

OMIM
Classification: Pathogenic for FABRY DISEASE. Last evaluated: 1993-12-01. Review status: no assertion criteria provided. Collection method: literature only. Allele origin: germline. Not counted in ClinVar's aggregate classification.

Literature cited by the submitters: PubMed 7504405 (cited by Genomenon, Inc and OMIM).

NM_000169.3(GLA):c.369+2T>G

Genes: GLA (galactosidase alpha; minus strand), RPL36A-HNRNPH2 (RPL36A-HNRNPH2 readthrough; plus strand). Cytogenetic location: Xq22.1.
Variant type: single nucleotide variant.
Coding change: c.369+2T>G on transcript NM_000169.3 (MANE Select); the canonical splice donor site of the intron after coding-DNA position 369, T replaced by G.
Molecular consequence: splice donor variant. On other transcripts: intron variant (2).
Genome position (GRCh38, 1-based): chrX:101,403,809, A>C on the plus strand (T>G on the coding strand, the complement: GLA is on the minus strand). VCF-style: chrX-101403809-A-C. GRCh37 (hg19) VCF-style: chrX-100658797-A-C.
Other names: c.301-8127A>C (NM_001199973.2); c.178-8127A>C (NM_001199974.2); c.492+2T>G (NM_001406747.1, NM_001406749.1); c.369+2T>G (NM_001406748.1).
Identifiers: ClinVar variation 10746 (VCV000010746.3), dbSNP rs387906483, ClinGen allele CA021675.